The following is an entry in ClinVar:

NM_005219.5(DIAPH1):c.3802G>T (p.Val1268Phe)

Gene: DIAPH1 (diaphanous related formin 1; minus strand). Cytogenetic location: 5q31.3.
Variant type: single nucleotide variant.
Coding change: c.3802G>T on transcript NM_005219.5 (MANE Select); coding-DNA position 3802, G replaced by T.
Protein change: p.Val1268Phe; replaces valine 1268 with phenylalanine.
Molecular consequence: missense variant. On other transcripts: 3 prime UTR variant (1).
Genome position (GRCh38, 1-based): chr5:141,516,868, C>A on the plus strand (G>T on the coding strand, the complement: DIAPH1 is on the minus strand). VCF-style: chr5-141516868-C-A. GRCh37 (hg19) VCF-style: chr5-140896435-C-A.
Other names: c.3775G>T, p.Val1259Phe (NM_001079812.3); c.*102G>T (NM_001314007.2); short protein forms V1259F, V1268F.
Identifiers: ClinVar variation 3839943 (VCV003839943.2).

ClinVar aggregate classification (germline): Uncertain significance. Review status: criteria provided, multiple submitters, no conflicts (2 of 4 stars). 2 submissions from 2 submitters: Uncertain significance (2). Last evaluated 2025-06-15.

Conditions:
Autosomal dominant nonsyndromic hearing loss 1. Also called: KONIGSMARK SYNDROME; DEAFNESS, AUTOSOMAL DOMINANT 1, WITH OR WITHOUT THROMBOCYTOPENIA. Identifiers: Orphanet 90635, MedGen C1852282, MONDO:0007424, OMIM 124900.
Progressive microcephaly-seizures-cortical blindness-developmental delay syndrome. Also called: Seizures, cortical blindness, and microcephaly syndrome. Identifiers: Orphanet 477814, MedGen C5567650, MONDO:0014714, OMIM 616632.
Inborn genetic diseases. Identifiers: MedGen C0950123, MeSH D030342.

gnomAD v4.1: 5 of 1,614,088 alleles (0.00031%); highest among the groups gnomAD compares: African/African-American, 0.0067%; no homozygotes.

Submissions (2):

Labcorp Genetics (formerly Invitae), Labcorp
Classification: Uncertain significance for Progressive microcephaly-seizures-cortical blindness-developmental delay syndrome; Autosomal dominant nonsyndromic hearing loss 1. Last evaluated: 2025-06-15. Review status: criteria provided, single submitter. Criteria: Invitae Variant Classification Sherloc (09022015). Collection method: clinical testing. Allele origin: germline.
Comment: This sequence change replaces valine, which is neutral and non-polar, with phenylalanine, which is neutral and non-polar, at codon 1268 of the DIAPH1 protein (p.Val1268Phe). This variant is present in population databases (no rsID available, gnomAD 0.007%). This variant has not been reported in the literature in individuals affected with DIAPH1-related conditions. ClinVar contains an entry for this variant (Variation ID: 3839943). An algorithm developed to predict the effect of missense changes on protein structure and function (PolyPhen-2) suggests that this variant is likely to be disruptive. In summary, the available evidence is currently insufficient to determine the role of this variant in disease. Therefore, it has been classified as a Variant of Uncertain Significance.

Ambry Genetics
Classification: Uncertain significance for Inborn genetic diseases. Last evaluated: 2025-01-24. Review status: criteria provided, single submitter. Criteria: Ambry Variant Classification Scheme 2023. Collection method: clinical testing. Allele origin: germline.